The following is an entry in ClinVar:

ClinVar aggregate classification (germline): Uncertain significance. Review status: criteria provided, multiple submitters, no conflicts (2 of 4 stars). 2 submissions from 2 submitters: Uncertain significance (2). Last evaluated 2024-12-30.

Conditions:
Hereditary cancer-predisposing syndrome. Also called: Hereditary neoplastic syndrome; Neoplastic Syndromes, Hereditary; Tumor predisposition; Hereditary Cancer Syndrome. Identifiers: Orphanet 140162, MedGen C0027672, MeSH D009386, MONDO:0015356.
Tuberous sclerosis 2 (TSC2). Identifiers: Orphanet 805, MedGen C1860707, MONDO:0013199, OMIM 613254.

Submissions (2):

Ambry Genetics
Classification: Uncertain significance for Hereditary cancer-predisposing syndrome. Last evaluated: 2024-12-30. Review status: criteria provided, single submitter. Criteria: Ambry Variant Classification Scheme 2023. Collection method: clinical testing. Allele origin: germline.
Comment: The p.G1140D variant (also known as c.3419G>A), located in coding exon 29 of the TSC2 gene, results from a G to A substitution at nucleotide position 3419. The glycine at codon 1140 is replaced by aspartic acid, an amino acid with similar properties. This amino acid position is conserved. In addition, the in silico prediction for this alteration is inconclusive. Based on the available evidence, the clinical significance of this variant remains unclear.

Labcorp Genetics (formerly Invitae), Labcorp
Classification: Uncertain significance for Tuberous sclerosis 2. Last evaluated: 2021-12-25. Review status: criteria provided, single submitter. Criteria: Invitae Variant Classification Sherloc (09022015). Collection method: clinical testing. Allele origin: germline.
Comment: This sequence change replaces glycine, which is neutral and non-polar, with aspartic acid, which is acidic and polar, at codon 1140 of the TSC2 protein (p.Gly1140Asp). This variant is not present in population databases (gnomAD no frequency). This variant has not been reported in the literature in individuals affected with TSC2-related conditions. ClinVar contains an entry for this variant (Variation ID: 1001529). Advanced modeling of protein sequence and biophysical properties (such as structural, functional, and spatial information, amino acid conservation, physicochemical variation, residue mobility, and thermodynamic stability) performed at Invitae indicates that this missense variant is not expected to disrupt TSC2 protein function. In summary, the available evidence is currently insufficient to determine the role of this variant in disease. Therefore, it has been classified as a Variant of Uncertain Significance.

NM_000548.5(TSC2):c.3419G>A (p.Gly1140Asp)

Gene: TSC2 (TSC complex subunit 2; plus strand). Cytogenetic location: 16p13.3.
Variant type: single nucleotide variant.
Coding change: c.3419G>A on transcript NM_000548.5 (MANE Select); coding-DNA position 3419, G replaced by A.
Protein change: p.Gly1140Asp; replaces glycine 1140 with aspartic acid.
Molecular consequence: missense variant.
Genome position (GRCh38, 1-based): chr16:2,080,186, G>A. VCF-style: chr16-2080186-G-A. GRCh37 (hg19) VCF-style: chr16-2130187-G-A.
Other names: c.3419G>A (NM_000548.3); c.3287G>A, p.Gly1096Asp (NM_001077183.3, NM_001370404.1); c.3419G>A, p.Gly1140Asp (NM_001114382.3); c.3179G>A, p.Gly1060Asp (NM_001318827.2); c.3143G>A, p.Gly1048Asp (NM_001318829.2); c.2687G>A, p.Gly896Asp (NM_001318831.2); c.3320G>A, p.Gly1107Asp (NM_001318832.2); c.3290G>A, p.Gly1097Asp (NM_001363528.2, NM_001370405.1, NM_021055.3); short protein forms G1048D, G1060D, G1096D, G1097D, G1107D, G1140D, G896D.
Identifiers: ClinVar variation 1001529 (VCV001001529.9), dbSNP rs2089954788, ClinGen allele CA394288499.